The following is an entry in ClinVar:

NM_022765.4(MICAL1):c.2062C>A (p.His688Asn)

Gene: MICAL1 (microtubule associated monooxygenase, calponin and LIM domain containing 1; minus strand). Cytogenetic location: 6q21.
Variant type: single nucleotide variant.
Coding change: c.2062C>A on transcript NM_022765.4 (MANE Select); coding-DNA position 2062, C replaced by A.
Protein change: p.His688Asn; replaces histidine 688 with asparagine.
Molecular consequence: missense variant.
Genome position (GRCh38, 1-based): chr6:109,447,365, G>T on the plus strand (C>A on the coding strand, the complement: MICAL1 is on the minus strand). VCF-style: chr6-109447365-G-T. GRCh37 (hg19) VCF-style: chr6-109768568-G-T.
Other names: c.1804C>A, p.His602Asn (NM_001159291.2); c.2119C>A, p.His707Asn (NM_001286613.2); short protein forms H707N, H688N, H602N.
Identifiers: ClinVar variation 780038 (VCV000780038.32), dbSNP rs41288558, ClinGen allele CA3953093.

ClinVar aggregate classification (germline): Benign/Likely benign. Review status: criteria provided, multiple submitters, no conflicts (2 of 4 stars). 2 submissions from 2 submitters: Benign (1); Likely benign (1). Last evaluated 2026-02-03.

Allele frequency attached by ClinVar (database versions not stated): 1000 Genomes Project 30x 0.00172; 1000 Genomes Project 0.00180; TOPMed 0.00311; ESP Exome Variant Server 0.00423; gnomAD 0.00592 and 0.00618; ExAC 0.00715.
gnomAD v4.1: 9,141 of 1,614,030 alleles (0.57%); highest among the groups gnomAD compares: Non-Finnish European, 0.56%; 69 homozygotes.

Submissions (2):

Labcorp Genetics (formerly Invitae), Labcorp
Classification: Benign. Last evaluated: 2026-02-03. Review status: criteria provided, single submitter. Criteria: Invitae Variant Classification Sherloc (09022015). Collection method: clinical testing. Allele origin: germline.

CeGaT Center for Human Genetics Tuebingen
Classification: Likely benign. Last evaluated: 2025-09-01. Review status: criteria provided, single submitter. Criteria: CeGaT Center For Human Genetics Tuebingen Variant Classification Criteria Version 2. Collection method: clinical testing. Allele origin: germline. Affected: yes. Observed: 3 variant alleles.
Comment: MICAL1: BP4, BS2